The following is an entry in ClinVar:

ClinVar aggregate classification (germline): Pathogenic (1 of 4 stars; one submission).

Conditions:
Hereditary breast ovarian cancer syndrome. Also called: Hereditary breast and ovarian cancer syndrome; Hereditary breast and/or ovarian cancer syndrome; Hereditary breast and ovarian cancer; Hereditary breast and ovarian cancer syndrome (HBOC); Breast and ovarian cancer; BRCA1- and BRCA2-Associated Hereditary Breast and Ovarian Cancer. Identifiers: Orphanet 145, MedGen C0677776, MeSH D061325, MONDO:0003582. Disease mechanism: loss of function.

Submission:

Labcorp Genetics (formerly Invitae), Labcorp
Classification: Pathogenic for Hereditary breast ovarian cancer syndrome. Last evaluated: 2024-10-15. Review status: criteria provided, single submitter. Criteria: Invitae Variant Classification Sherloc (09022015). Collection method: clinical testing. Allele origin: germline.
Comment: This sequence change creates a premature translational stop signal (p.Asn376Alafs*17) in the BRCA1 gene. It is expected to result in an absent or disrupted protein product. Loss-of-function variants in BRCA1 are known to be pathogenic (PMID: 20104584). This variant is not present in population databases (gnomAD no frequency). This variant has not been reported in the literature in individuals affected with BRCA1-related conditions. For these reasons, this variant has been classified as Pathogenic.

Literature cited by the submitters: PubMed 20104584.

NM_007294.4(BRCA1):c.1126_1129del (p.Asn376fs)

Gene: BRCA1 (BRCA1 DNA repair associated; minus strand). Cytogenetic location: 17q21.31.
Variant type: Deletion.
Coding change: c.1126_1129del on transcript NM_007294.4 (MANE Select); coding-DNA positions 1126 to 1129, 4 bases deleted (AATA; older notation c.1126_1129delAATA).
Protein change: p.Asn376fs; shifts the reading frame from asparagine 376.
Molecular consequence: frameshift variant. On other transcripts: intron variant (137).
Genome position (GRCh38, 1-based): chr17:43,094,402-43,094,405, TATT deleted on the plus strand (AATA on the coding strand, the reverse complement: BRCA1 is on the minus strand); deleting any 4 consecutive bases within chr17:43,094,402-43,094,407 gives the same sequence; the c. name uses the placement nearest the transcript's 3' end. VCF-style (leftmost placement, unchanged base first): chr17-43094401-CTATT-C. GRCh37 (hg19) VCF-style: chr17-41246418-CTATT-C.
Other names: c.1123_1126del, p.Asn375fs (NM_001407591.1, NM_001407612.1, NM_001407614.1 and 22 more transcripts); c.1126_1129del, p.Asn376fs (NM_001407593.1, NM_001407594.1, NM_001407596.1 and 30 more transcripts); c.913_916del, p.Asn305fs (NM_001407571.1, NM_001407853.1, NM_001407894.1 and 9 more transcripts); c.1117_1120del, p.Asn373fs (NM_001407646.1, NM_001407647.1); c.1003_1006del, p.Asn335fs (NM_001407648.1, NM_001407664.1, NM_001407665.1 and 19 more transcripts); c.1000_1003del, p.Asn334fs (NM_001407649.1, NM_001407670.1, NM_001407671.1 and 11 more transcripts); c.1048_1051del, p.Asn350fs (NM_001407653.1, NM_001407654.1, NM_001407655.1 and 4 more transcripts); c.1045_1048del, p.Asn349fs (NM_001407659.1, NM_001407660.1, NM_001407661.1 and 1 more transcripts); and 40 more; short protein forms N208fs, N248fs, N305fs, N309fs, N335fs, N350fs, N373fs, N249fs.
Identifiers: ClinVar variation 3722919 (VCV003722919.2).
Genomic context (GRCh38, chr17:43,094,401, plus strand): 5'-TCATCAGAACCTAACAGTTCATCACTTCTGGAAAACCACTCATTAACTTTCTGAATGCTG[CTATT>C]TAGTGTTATCCAAGGAACATCTTCAGTATCTCTAGGATTCTCTGAGCATGGCAGTTTCTG-3'